The following is an entry in ClinVar:

NM_001375905.1(SGMS2):c.116A>G (p.Asn39Ser)

Genes: CYP2U1-AS1 (CYP2U1 and SGMS2 antisense RNA 1; minus strand), SGMS2 (sphingomyelin synthase 2; plus strand). Cytogenetic location: 4q25.
Variant type: single nucleotide variant.
Coding change: c.116A>G on transcript NM_001375905.1 (MANE Select); coding-DNA position 116, A replaced by G.
Protein change: p.Asn39Ser; replaces asparagine 39 with serine.
Molecular consequence: missense variant. On other transcripts: intron variant (1).
Genome position (GRCh38, 1-based): chr4:107,895,669, A>G. VCF-style: chr4-107895669-A-G. GRCh37 (hg19) VCF-style: chr4-108816825-A-G.
Other names: c.116A>G, p.Asn39Ser (NM_001136257.2, NM_001136258.2, NM_001375906.1 and 4 more transcripts); c.-64-3906A>G (NM_001375911.1); short protein forms N39S.
Identifiers: ClinVar variation 1976424 (VCV001976424.5), dbSNP rs912978477, ClinGen allele CA102880643.

ClinVar aggregate classification (germline): Uncertain significance (1 of 4 stars; one submission).

Allele frequency attached by ClinVar (database versions not stated): gnomAD exomes 0.00001; TOPMed 0.00001.
gnomAD v4.1: 9 of 1,614,042 alleles (0.00056%); highest among the groups gnomAD compares: South Asian, 0.0022%; no homozygotes.

Submission:

Labcorp Genetics (formerly Invitae), Labcorp
Classification: Uncertain significance. Last evaluated: 2022-10-16. Review status: criteria provided, single submitter. Criteria: Invitae Variant Classification Sherloc (09022015). Collection method: clinical testing. Allele origin: germline.
Comment: This variant has not been reported in the literature in individuals affected with SGMS2-related conditions. This variant is present in population databases (no rsID available, gnomAD 0.002%). This sequence change replaces asparagine, which is neutral and polar, with serine, which is neutral and polar, at codon 39 of the SGMS2 protein (p.Asn39Ser). Algorithms developed to predict the effect of missense changes on protein structure and function output the following: SIFT: "Tolerated"; PolyPhen-2: "Benign"; Align-GVGD: "Class C0". The serine amino acid residue is found in multiple mammalian species, which suggests that this missense change does not adversely affect protein function. In summary, the available evidence is currently insufficient to determine the role of this variant in disease. Therefore, it has been classified as a Variant of Uncertain Significance.